The following is an entry in ClinVar:

ClinVar aggregate classification (germline): Uncertain significance (1 of 4 stars; one submission).

gnomAD v4.1: 1 of 1,590,038 alleles (0.000063%); highest among the groups gnomAD compares: Non-Finnish European, 0.000086%; no homozygotes.

Submission:

Labcorp Genetics (formerly Invitae), Labcorp
Classification: Uncertain significance. Last evaluated: 2024-11-25. Review status: criteria provided, single submitter. Criteria: Invitae Variant Classification Sherloc (09022015). Collection method: clinical testing. Allele origin: germline.
Comment: This sequence change replaces alanine, which is neutral and non-polar, with glycine, which is neutral and non-polar, at codon 185 of the NEUROG3 protein (p.Ala185Gly). This variant is not present in population databases (gnomAD no frequency). This variant has not been reported in the literature in individuals affected with NEUROG3-related conditions. An algorithm developed to predict the effect of missense changes on protein structure and function (PolyPhen-2) suggests that this variant is likely to be tolerated. In summary, the available evidence is currently insufficient to determine the role of this variant in disease. Therefore, it has been classified as a Variant of Uncertain Significance.

NM_020999.4(NEUROG3):c.554C>G (p.Ala185Gly)

Gene: NEUROG3 (neurogenin 3; minus strand). Cytogenetic location: 10q22.1.
Variant type: single nucleotide variant.
Coding change: c.554C>G on transcript NM_020999.4 (MANE Select); coding-DNA position 554, C replaced by G.
Protein change: p.Ala185Gly; replaces alanine 185 with glycine.
Molecular consequence: missense variant.
Genome position (GRCh38, 1-based): chr10:69,572,490, G>C on the plus strand (C>G on the coding strand, the complement: NEUROG3 is on the minus strand). VCF-style: chr10-69572490-G-C. GRCh37 (hg19) VCF-style: chr10-71332246-G-C.
Other names: short protein forms A185G.
Identifiers: ClinVar variation 3627577 (VCV003627577.2).
Genomic context (GRCh38, chr10:69,572,490, plus strand): 5'-GGGCTCAAGCAGGCGGAAAAGGTGGCCCCCAGCAGCCCGGGTCGCTCCTCCAGCGACGCG[G>C]CGGGACTCAGGCTGCCAGCCTGGGAGACTGGGGAGTAGAGGGACCCCCAGTCCCCGGGGG-3'
Protein context (NP_066279.2, residues 175-195): PVSQAGSLSP[Ala185Gly]ASLEERPGLL